The following is an entry in ClinVar:

ClinVar aggregate classification (germline): Uncertain significance (1 of 4 stars; one submission).

Allele frequency attached by ClinVar (database versions not stated): ExAC 0.00001; gnomAD exomes 0.00001.
gnomAD v4.1: 30 of 1,614,134 alleles (0.0019%); highest among the groups gnomAD compares: Non-Finnish European, 0.0025%; no homozygotes.

Submission:

Labcorp Genetics (formerly Invitae), Labcorp
Classification: Uncertain significance. Last evaluated: 2024-03-07. Review status: criteria provided, single submitter. Criteria: Invitae Variant Classification Sherloc (09022015). Collection method: clinical testing. Allele origin: germline.
Comment: This sequence change replaces threonine, which is neutral and polar, with alanine, which is neutral and non-polar, at codon 222 of the ADD3 protein (p.Thr222Ala). This variant is present in population databases (rs771954709, gnomAD 0.002%). This variant has not been reported in the literature in individuals affected with ADD3-related conditions. ClinVar contains an entry for this variant (Variation ID: 1363821). An algorithm developed to predict the effect of missense changes on protein structure and function (PolyPhen-2) suggests that this variant is likely to be tolerated. In summary, the available evidence is currently insufficient to determine the role of this variant in disease. Therefore, it has been classified as a Variant of Uncertain Significance.

NM_016824.5(ADD3):c.664A>G (p.Thr222Ala)

Gene: ADD3 (adducin 3; plus strand). Cytogenetic location: 10q25.2.
Variant type: single nucleotide variant.
Coding change: c.664A>G on transcript NM_016824.5 (MANE Select); coding-DNA position 664, A replaced by G.
Protein change: p.Thr222Ala; replaces threonine 222 with alanine.
Molecular consequence: missense variant.
Genome position (GRCh38, 1-based): chr10:110,118,683, A>G. VCF-style: chr10-110118683-A-G. GRCh37 (hg19) VCF-style: chr10-111878441-A-G.
Other names: c.664A>G, p.Thr222Ala (NM_001121.4, NM_001320591.2, NM_001320592.2 and 2 more transcripts); c.430A>G, p.Thr144Ala (NM_001320594.2); short protein forms T222A, T144A.
Identifiers: ClinVar variation 1363821 (VCV001363821.6), dbSNP rs771954709, ClinGen allele CA5686428.
Genomic context (GRCh38, chr10:110,118,683, plus strand): 5'-GGAAGTACCAATTTGAAAATTGACCATACAGGATTCAGTCCCCATGCTGCAATCTATTCA[A>G]CACGTCCTGATGTTAAGTGTGTGATACACATCCATACCCTTGCAACAGCAGCTGTAAGTC-3'
Protein context (NP_058432.1, residues 212-232): GFSPHAAIYS[Thr222Ala]RPDVKCVIHI